The following is an entry in ClinVar:

NM_030667.3(PTPRO):c.1308G>A (p.Pro436=)

Gene: PTPRO (protein tyrosine phosphatase receptor type O; plus strand). Cytogenetic location: 12p12.3.
Variant type: single nucleotide variant.
Coding change: c.1308G>A on transcript NM_030667.3 (MANE Select); coding-DNA position 1308, G replaced by A.
Protein change: p.Pro436=; no amino-acid change (proline 436 retained).
Molecular consequence: synonymous variant.
Genome position (GRCh38, 1-based): chr12:15,508,611, G>A. VCF-style: chr12-15508611-G-A. GRCh37 (hg19) VCF-style: chr12-15661545-G-A.
Other names: c.1308G>A, p.Pro436= (NM_002848.4).
Identifiers: ClinVar variation 3032280 (VCV003032280.2), dbSNP rs747588432, ClinGen allele CA233314991.

ClinVar aggregate classification (germline): Likely benign (0 of 4 stars; one submission).

Conditions:
PTPRO-related disorder. Also called: PTPRO-related condition.

Allele frequency attached by ClinVar (database versions not stated): TOPMed below 0.00001.
gnomAD v4.1: 8 of 1,613,930 alleles (0.0005%); highest among the groups gnomAD compares: South Asian, 0.0066%; no homozygotes.

Submission:

PreventionGenetics, part of Exact Sciences
Classification: Likely benign for PTPRO-related condition. Last evaluated: 2020-09-18. Review status: no assertion criteria provided. Collection method: clinical testing. Allele origin: germline.
Comment: This variant is classified as likely benign based on ACMG/AMP sequence variant interpretation guidelines (Richards et al. 2015 PMID: 25741868, with internal and published modifications).